The following is an entry in ClinVar:

NM_023110.3(FGFR1):c.1081+1G>T

Gene: FGFR1 (fibroblast growth factor receptor 1; minus strand). Cytogenetic location: 8p11.23.
Variant type: single nucleotide variant.
Coding change: c.1081+1G>T on transcript NM_023110.3 (MANE Select); the canonical splice donor site of the intron after coding-DNA position 1081, G replaced by T.
Molecular consequence: splice donor variant.
Genome position (GRCh38, 1-based): chr8:38,421,796, C>A on the plus strand (G>T on the coding strand, the complement: FGFR1 is on the minus strand). VCF-style: chr8-38421796-C-A. GRCh37 (hg19) VCF-style: chr8-38279314-C-A.
Other names: c.808+1G>T (NM_001354368.2, NM_001354370.2, NM_023106.3); c.814+1G>T (NM_023105.3, NM_001174066.2); c.1075+1G>T (NM_001354367.2, NM_015850.4, NM_001354369.2 and 2 more transcripts); c.1081+1G>T (NM_001174063.2); c.1057+1G>T (NM_001174064.2); c.1174+1G>T (NM_001174067.2).
Identifiers: ClinVar variation 2505383 (VCV002505383.1), dbSNP rs2150751795, ClinGen allele CA370734063.

ClinVar aggregate classification (germline): Pathogenic (1 of 4 stars; one submission).

Conditions:
Hypogonadotropic hypogonadism 2 with or without anosmia (HH2). Also called: FGFR1-Related GnRH Deficiency (Kallmann Syndrome 2); HYPOGONADOTROPIC HYPOGONADISM 2 WITHOUT ANOSMIA; HYPOGONADOTROPIC HYPOGONADISM 2 WITH OR WITHOUT ANOSMIA, SUSCEPTIBILITY TO; HYPOGONADOTROPIC HYPOGONADISM 2 WITHOUT ANOSMIA, SUSCEPTIBILITY TO. Identifiers: Orphanet 478, MedGen C1563720, MONDO:0007844, OMIM 147950. Disease mechanism: loss of function.

Submission:

Reproductive Endocrine Unit, Massachusetts General Hospital
Classification: Pathogenic for Hypogonadotropic hypogonadism 2 with or without anosmia. Last evaluated: 2023-05-04. Review status: criteria provided, single submitter. Criteria: ACMG Guidelines, 2015. Collection method: research. Allele origin: de novo. Affected: yes. Observed: 1 variant allele.
Comment: The variant NM_023110.2:c.1081+1G>T, has been classified as P1a based on the variant meeting the following ACMG Criteria: PVS1,PS2,PM2.